The following is an entry in ClinVar:

ClinVar aggregate classification (germline): Likely benign (1 of 4 stars; one submission).

gnomAD v4.1: 12 of 1,153,272 alleles (0.001%); highest among the groups gnomAD compares: Admixed American, 0.0051%; no homozygotes.

Submission:

CeGaT Center for Human Genetics Tuebingen
Classification: Likely benign. Last evaluated: 2025-02-01. Review status: criteria provided, single submitter. Criteria: CeGaT Center For Human Genetics Tuebingen Variant Classification Criteria Version 2. Collection method: clinical testing. Allele origin: germline. Affected: yes. Observed: 2 variant alleles.
Comment: DIAPH2: BP4

NM_006729.5(DIAPH2):c.2589+8G>A

Gene: DIAPH2 (diaphanous related formin 2; plus strand). Cytogenetic location: Xq21.33.
Variant type: single nucleotide variant.
Coding change: c.2589+8G>A on transcript NM_006729.5 (MANE Select); 8 bases into the intron after coding-DNA position 2589, G replaced by A.
Molecular consequence: intron variant.
Genome position (GRCh38, 1-based): chrX:97,114,973, G>A. VCF-style: chrX-97114973-G-A. GRCh37 (hg19) VCF-style: chrX-96369972-G-A.
Other names: c.2589+8G>A (NM_007309.4).
Identifiers: ClinVar variation 3771326 (VCV003771326.13).
Genomic context (GRCh38, chrX:97,114,973, plus strand): 5'-CAGGCTCAAGAAATGCCCAGTCTTTGGGATTTAAGATCAACTTCCTTTGTAAGGTAAGAT[G>A]ACATTTTATAATGCTAATTTACAACAATAATCTTCTTGTCTATGAAAGGTGATACTGCAA-3'